The following is an entry in ClinVar:

NM_000287.4(PEX6):c.592C>G (p.Leu198Val)

Gene: PEX6 (peroxisomal biogenesis factor 6; minus strand). Cytogenetic location: 6p21.1.
Variant type: single nucleotide variant.
Coding change: c.592C>G on transcript NM_000287.4 (MANE Select); coding-DNA position 592, C replaced by G.
Protein change: p.Leu198Val; replaces leucine 198 with valine.
Molecular consequence: missense variant. On other transcripts: non-coding transcript variant (1).
Genome position (GRCh38, 1-based): chr6:42,978,559, G>C on the plus strand (C>G on the coding strand, the complement: PEX6 is on the minus strand). VCF-style: chr6-42978559-G-C. GRCh37 (hg19) VCF-style: chr6-42946297-G-C.
Other names: c.592C>G, p.Leu198Val (NM_001316313.2); short protein forms L198V.
Identifiers: ClinVar variation 1428679 (VCV001428679.8), dbSNP rs1770412382, ClinGen allele CA364163623.
Genomic context (GRCh38, chr6:42,978,559, plus strand): 5'-AGAGGCCAAGGCCACGGAGACAGCTCCGGCTCACCCCTAGTGAATCTCCAGTCCCTCCCA[G>C]AACTCCCTGGAGTCGCCGCACTGTGCCAGAAACCGCAAAGGAGGACACCACGGGCGGGGG-3'
Protein context (NP_000278.3, residues 188-208): SGTVRRLQGV[Leu198Val]GGTGDSLGVS

ClinVar aggregate classification (germline): Uncertain significance (1 of 4 stars; one submission).

Conditions:
Peroxisome biogenesis disorder. Identifiers: Orphanet 79189, MedGen C1832200, MONDO:0019234. Disease mechanism: loss of function.

Allele frequency attached by ClinVar (database versions not stated): TOPMed below 0.00001.
gnomAD v4.1: 2 of 1,612,998 alleles (0.00012%); highest among the groups gnomAD compares: Non-Finnish European, 0.00017%; no homozygotes.

Submission:

Labcorp Genetics (formerly Invitae), Labcorp
Classification: Uncertain significance for Peroxisome biogenesis disorder. Last evaluated: 2021-02-04. Review status: criteria provided, single submitter. Criteria: Invitae Variant Classification Sherloc (09022015). Collection method: clinical testing. Allele origin: germline.
Comment: In summary, the available evidence is currently insufficient to determine the role of this variant in disease. Therefore, it has been classified as a Variant of Uncertain Significance. Algorithms developed to predict the effect of missense changes on protein structure and function (SIFT, PolyPhen-2, Align-GVGD) all suggest that this variant is likely to be tolerated, but these predictions have not been confirmed by published functional studies and their clinical significance is uncertain. This variant has not been reported in the literature in individuals with PEX6-related conditions. This variant is not present in population databases (ExAC no frequency). This sequence change replaces leucine with valine at codon 198 of the PEX6 protein (p.Leu198Val). The leucine residue is weakly conserved and there is a small physicochemical difference between leucine and valine.